The following is an entry in ClinVar:

NM_000388.4(CASR):c.2024G>A (p.Trp675Ter)

Gene: CASR (calcium sensing receptor; plus strand). Cytogenetic location: 3q21.1.
Variant type: single nucleotide variant.
Coding change: c.2024G>A on transcript NM_000388.4 (MANE Select); coding-DNA position 2024, G replaced by A.
Protein change: p.Trp675Ter; replaces tryptophan 675 with a stop codon.
Molecular consequence: nonsense.
Genome position (GRCh38, 1-based): chr3:122,283,978, G>A. VCF-style: chr3-122283978-G-A. GRCh37 (hg19) VCF-style: chr3-122002825-G-A.
Other names: c.2054G>A, p.Trp685Ter (NM_001178065.2); short protein forms W675*, W685*.
Identifiers: ClinVar variation 2501073 (VCV002501073.2), dbSNP rs2473277536, ClinGen allele CA354158328.
Genomic context (GRCh38, chr3:122,283,978, plus strand): 5'-TCTTCTCCCTGCTCTGCTGCTTCTCCAGCTCCCTGTTCTTCATCGGGGAGCCCCAGGACT[G>A]GACGTGCCGCCTGCGCCAGCCGGCCTTTGGCATCAGCTTCGTGCTCTGCATCTCATGCAT-3'

ClinVar aggregate classification (germline): Pathogenic/Likely pathogenic. Review status: criteria provided, multiple submitters, no conflicts (2 of 4 stars). 2 submissions from 2 submitters: Pathogenic (1); Likely pathogenic (1). Last evaluated 2025-12-28.

Conditions:
Familial hypocalciuric hypercalcemia (FHH). Also called: Familial benign hypercalcemia. Identifiers: Orphanet 405, MedGen C1809471, MONDO:0018458.
Autosomal dominant hypocalcemia 1 (HYPOC1). Also called: HYPOCALCEMIA, FAMILIAL. Identifiers: MedGen C3715128, MONDO:0011013, OMIM 601198.

Submissions (2):

Labcorp Genetics (formerly Invitae), Labcorp
Classification: Pathogenic for Familial hypocalciuric hypercalcemia; Autosomal dominant hypocalcemia 1. Last evaluated: 2025-12-28. Review status: criteria provided, single submitter. Criteria: Invitae Variant Classification Sherloc (09022015). Collection method: clinical testing. Allele origin: germline.
Comment: This sequence change creates a premature translational stop signal (p.Trp675*) in the CASR gene. While this is not anticipated to result in nonsense mediated decay, it is expected to disrupt the last 404 amino acid(s) of the CASR protein. This variant is not present in population databases (gnomAD no frequency). This premature translational stop signal has been observed in individual(s) with hypocalciuric hypercalcemia (PMID: 26963950). ClinVar contains an entry for this variant (Variation ID: 2501073). This variant disrupts a region of the CASR protein in which other variant(s) (p.Arg886Pro) have been determined to be pathogenic (PMID: 11807402, 17698911, 20798521). This suggests that this is a clinically significant region of the protein, and that variants that disrupt it are likely to be disease-causing. For these reasons, this variant has been classified as Pathogenic.

Women's Health and Genetics/Laboratory Corporation of America, LabCorp
Classification: Likely pathogenic for Familial hypocalciuric hypercalcemia. Last evaluated: 2023-03-08. Review status: criteria provided, single submitter. Criteria: LabCorp Variant Classification Summary - May 2015. Collection method: clinical testing. Allele origin: germline.
Comment: Variant summary: CASR c.2024G>A (p.Trp675X) results in a premature termination codon, predicted to cause a truncation of the encoded protein or absence of the protein due to nonsense mediated decay, which are commonly known mechanisms for disease. Pathogenic variants downstream of this position have been classified as pathogenic in by our lab (p.Arg680Cys), suggesting the importance of this region in protein function. The variant was absent in 251112 control chromosomes. c.2024G>A has been reported in the literature in individuals affected with Familial hypocalciuric hypercalcemia type 1 (example: Vargas_Possou_2016). To our knowledge, no experimental evidence demonstrating an impact on protein function has been reported. No clinical diagnostic laboratories have submitted clinical-significance assessments for this variant to ClinVar after 2014. Based on the evidence outlined above, the variant was classified as likely pathogenic.

Literature cited by the submitters: PubMed 26963950 (cited by Labcorp Genetics (formerly Invitae), Labcorp); PubMed 11807402 (cited by Labcorp Genetics (formerly Invitae), Labcorp); PubMed 17698911 (cited by Labcorp Genetics (formerly Invitae), Labcorp); PubMed 20798521 (cited by Labcorp Genetics (formerly Invitae), Labcorp); PubMed 31189130 (cited by Women's Health and Genetics/Laboratory Corporation of America, LabCorp).